The following is an entry in ClinVar:

NM_014423.4(AFF4):c.2478A>C (p.Thr826=)

Gene: AFF4 (ALF transcription elongation factor 4; minus strand). Cytogenetic location: 5q31.1.
Variant type: single nucleotide variant.
Coding change: c.2478A>C on transcript NM_014423.4 (MANE Select); coding-DNA position 2478, A replaced by C.
Protein change: p.Thr826=; no amino-acid change (threonine 826 retained).
Molecular consequence: synonymous variant.
Genome position (GRCh38, 1-based): chr5:132,892,323, T>G on the plus strand (A>C on the coding strand, the complement: AFF4 is on the minus strand). VCF-style: chr5-132892323-T-G. GRCh37 (hg19) VCF-style: chr5-132228015-T-G.
Other names: c.2478A>C (NM_014423.3).
Identifiers: ClinVar variation 3649597 (VCV003649597.3).

ClinVar aggregate classification (germline): Likely benign. Review status: criteria provided, multiple submitters, no conflicts (2 of 4 stars). 2 submissions from 2 submitters: Likely benign (2). Last evaluated 2026-07-07.

Conditions:
AFF4-related disorder. Also called: AFF4-related condition.
Cognitive impairment - coarse facies - heart defects - obesity - pulmonary involvement - short stature - skeletal dysplasia syndrome. Also called: COGNITIVE IMPAIRMENT, COARSE FACIES, HEART DEFECTS, OBESITY, PULMONARY INVOLVEMENT, SHORT STATURE, AND SKELETAL DYSPLASIA; Chops syndrome; AFF4-Related CHOPS Syndrome. Identifiers: Orphanet 444077, MedGen C4085597, MONDO:0014609, OMIM 616368.

Submissions (2):

PreventionGenetics, part of Exact Sciences
Classification: Likely benign for AFF4-related condition. Last evaluated: 2026-07-07. Review status: criteria provided, single submitter. Criteria: ACMG Guidelines, 2015. Collection method: clinical testing. Allele origin: germline.
Comment: This variant is classified as likely benign based on ACMG/AMP sequence variant interpretation guidelines (Richards et al. 2015 PMID: 25741868, with internal and published modifications).

Labcorp Genetics (formerly Invitae), Labcorp
Classification: Likely benign for Cognitive impairment - coarse facies - heart defects - obesity - pulmonary involvement - short stature - skeletal dysplasia syndrome. Last evaluated: 2024-04-22. Review status: criteria provided, single submitter. Criteria: Invitae Variant Classification Sherloc (09022015). Collection method: clinical testing. Allele origin: germline.